The following is an entry in ClinVar:

ClinVar aggregate classification (germline): Uncertain significance. Review status: criteria provided, multiple submitters, no conflicts (2 of 4 stars). 3 submissions from 3 submitters: Uncertain significance (3). Last evaluated 2025-02-25.

Conditions:
Hereditary cancer-predisposing syndrome. Also called: Hereditary neoplastic syndrome; Tumor predisposition; Neoplastic Syndromes, Hereditary; Hereditary Cancer Syndrome. Identifiers: Orphanet 140162, MedGen C0027672, MeSH D009386, MONDO:0015356.
Familial cancer of breast. Also called: Hereditary breast cancer; BREAST CANCER, FAMILIAL; hereditary breast carcinoma. Identifiers: Orphanet 227535, MedGen C0346153, MONDO:0016419, OMIM 114480. Disease mechanism: loss of function.
Ataxia-telangiectasia syndrome (AT). Also called: ATAXIA-TELANGIECTASIA, COMPLEMENTATION GROUP A; ATAXIA-TELANGIECTASIA, FRESNO VARIANT; LOUIS-BAR SYNDROME; Ataxia-telangiectasia; Cerebello-oculocutaneous telangiectasia; Immunodeficiency with ataxia telangiectasia. Identifiers: Orphanet 100, MedGen C0004135, MONDO:0008840, OMIM 208900.

gnomAD v4.1: 1 of 1,613,374 alleles (0.000062%); no homozygotes.

Submissions (3):

Labcorp Genetics (formerly Invitae), Labcorp
Classification: Uncertain significance for Ataxia-telangiectasia syndrome. Last evaluated: 2025-02-25. Review status: criteria provided, single submitter. Criteria: Invitae Variant Classification Sherloc (09022015). Collection method: clinical testing. Allele origin: germline.
Comment: This sequence change replaces threonine, which is neutral and polar, with isoleucine, which is neutral and non-polar, at codon 791 of the ATM protein (p.Thr791Ile). This variant is not present in population databases (gnomAD no frequency). This variant has not been reported in the literature in individuals affected with ATM-related conditions. ClinVar contains an entry for this variant (Variation ID: 1483230). Invitae Evidence Modeling of protein sequence and biophysical properties (such as structural, functional, and spatial information, amino acid conservation, physicochemical variation, residue mobility, and thermodynamic stability) indicates that this missense variant is not expected to disrupt ATM protein function with a negative predictive value of 95%. In summary, the available evidence is currently insufficient to determine the role of this variant in disease. Therefore, it has been classified as a Variant of Uncertain Significance.

Baylor Genetics
Classification: Uncertain significance for Familial cancer of breast. Last evaluated: 2023-12-08. Review status: criteria provided, single submitter. Criteria: ACMG Guidelines, 2015. Collection method: clinical testing. Allele origin: unknown.

Ambry Genetics
Classification: Uncertain significance for Hereditary cancer-predisposing syndrome. Last evaluated: 2023-01-10. Review status: criteria provided, single submitter. Criteria: Ambry Variant Classification Scheme 2023. Collection method: clinical testing. Allele origin: germline.
Comment: The p.T791I variant (also known as c.2372C>T), located in coding exon 14 of the ATM gene, results from a C to T substitution at nucleotide position 2372. The threonine at codon 791 is replaced by isoleucine, an amino acid with similar properties. This amino acid position is not well conserved in available vertebrate species. In addition, this alteration is predicted to be tolerated by in silico analysis. Since supporting evidence is limited at this time, the clinical significance of this alteration remains unclear.

NM_000051.4(ATM):c.2372C>T (p.Thr791Ile)

Gene: ATM (ATM serine/threonine kinase; plus strand). Cytogenetic location: 11q22.3.
Variant type: single nucleotide variant.
Coding change: c.2372C>T on transcript NM_000051.4 (MANE Select); coding-DNA position 2372, C replaced by T.
Protein change: p.Thr791Ile; replaces threonine 791 with isoleucine.
Molecular consequence: missense variant.
Genome position (GRCh38, 1-based): chr11:108,257,602, C>T. VCF-style: chr11-108257602-C-T. GRCh37 (hg19) VCF-style: chr11-108128329-C-T.
Other names: c.2372C>T, p.Thr791Ile (NM_001351834.2); c.2372C>T (NM_000051.3); short protein forms T791I.
Identifiers: ClinVar variation 1483230 (VCV001483230.8), dbSNP rs2135408339, ClinGen allele CA382540401.